The following is an entry in ClinVar:

ClinVar aggregate classification (germline): Uncertain significance (1 of 4 stars; one submission).

Conditions:
Cardiovascular phenotype. Identifiers: MedGen CN230736.

Submission:

Ambry Genetics
Classification: Uncertain significance for Cardiovascular phenotype. Last evaluated: 2025-04-20. Review status: criteria provided, single submitter. Criteria: Ambry Variant Classification Scheme 2023. Collection method: clinical testing. Allele origin: germline.
Comment: The p.I852F variant (also known as c.2554A>T), located in coding exon 17 of the ABCA1 gene, results from an A to T substitution at nucleotide position 2554. The isoleucine at codon 852 is replaced by phenylalanine, an amino acid with highly similar properties. This amino acid position is conserved. In addition, this alteration is predicted to be deleterious by in silico analysis. Based on the available evidence, the clinical significance of this variant remains unclear.

NM_005502.4(ABCA1):c.2554A>T (p.Ile852Phe)

Gene: ABCA1 (ATP binding cassette subfamily A member 1; minus strand). Cytogenetic location: 9q31.1.
Variant type: single nucleotide variant.
Coding change: c.2554A>T on transcript NM_005502.4 (MANE Select); coding-DNA position 2554, A replaced by T.
Protein change: p.Ile852Phe; replaces isoleucine 852 with phenylalanine.
Molecular consequence: missense variant.
Genome position (GRCh38, 1-based): chr9:104,824,567, T>A on the plus strand (A>T on the coding strand, the complement: ABCA1 is on the minus strand). VCF-style: chr9-104824567-T-A. GRCh37 (hg19) VCF-style: chr9-107586848-T-A.
Other names: short protein forms I852F.
Identifiers: ClinVar variation 3935446 (VCV003935446.1).